The following is an entry in ClinVar:

NM_052867.4(NALCN):c.5197del (p.Asp1733fs)

Genes: NALCN (sodium leak channel, non-selective; minus strand), NALCN-AS1 (NALCN antisense RNA 1; plus strand). Cytogenetic location: 13q32.3.
Variant type: Deletion.
Coding change: c.5197del on transcript NM_052867.4 (MANE Select); coding-DNA position 5197, one base deleted (G; older notation c.5197delG).
Protein change: p.Asp1733fs; shifts the reading frame from aspartic acid 1733.
Molecular consequence: frameshift variant. On other transcripts: non-coding transcript variant (1).
Genome position (GRCh38, 1-based): chr13:101,055,315, C deleted on the plus strand (G on the coding strand, the reverse complement: NALCN is on the minus strand); the first of 4 consecutive C bases (chr13:101,055,315-101,055,318); deleting any one gives the same sequence. VCF-style (leftmost placement, unchanged base first): chr13-101055314-TC-T. GRCh37 (hg19) VCF-style: chr13-101707666-TC-T.
Other names: c.5284del, p.Asp1762fs (NM_001350748.2); c.5197del, p.Asp1733fs (NM_001350749.2); c.5110del, p.Asp1704fs (NM_001350750.2, NM_001350751.2); short protein forms D1704fs, D1733fs, D1762fs.
Identifiers: ClinVar variation 4715884 (VCV004715884.1).
Genomic context (GRCh38, chr13:101,055,314, plus strand): 5'-ACGGTTTCCACCACTAGAAATTCATCTACATTGACATCCACCTAAATATCCAGAAGGTCA[TC>T]CCCACTTTCGTCGCTCTCCACAGTCAGCTGCCGGGTCCACCACTTCTTAACTTCAGAACC-3'

ClinVar aggregate classification (germline): Uncertain significance (1 of 4 stars; one submission).

Submission:

Labcorp Genetics (formerly Invitae), Labcorp
Classification: Uncertain significance. Last evaluated: 2025-03-25. Review status: criteria provided, single submitter. Criteria: Invitae Variant Classification Sherloc (09022015). Collection method: clinical testing. Allele origin: germline.
Comment: This sequence change results in a frameshift in the NALCN gene (p.Asp1733Metfs*12). While this is not anticipated to result in nonsense mediated decay, it is expected to disrupt the last 6 amino acid(s) of the NALCN protein and extend the protein by 5 additional amino acid residues. This variant is not present in population databases (gnomAD no frequency). This variant has not been reported in the literature in individuals affected with NALCN-related conditions. Experimental studies and prediction algorithms are not available or were not evaluated, and the functional significance of this variant is currently unknown. In summary, the available evidence is currently insufficient to determine the role of this variant in disease. Therefore, it has been classified as a Variant of Uncertain Significance.